The following is an entry in ClinVar:

ClinVar aggregate classification (germline): Likely pathogenic (1 of 4 stars; one submission).

Conditions:
X-linked Alport syndrome (ATS1). Also called: COL4A5-Related Nephropathy; NEPHROPATHY AND DEAFNESS, X-LINKED. Identifiers: Orphanet 63, Orphanet 88917, MedGen C4746986, MONDO:0010520, OMIM 301050.

Submission:

MVZ Medizinische Genetik Mainz
Classification: Likely pathogenic for X-linked Alport syndrome. Last evaluated: 2024-06-03. Review status: criteria provided, single submitter. Criteria: UK Practice Guidelines For Variant Classification V4 01 2020. Collection method: clinical testing. Allele origin: germline. Inheritance: X-linked dominant inheritance. Affected: yes. Observed: 1 variant allele.
Comment: ACMG Criteria: PM1_STR,PM2_SUP,PM5_SUP,PP3,PP4

NM_033380.3(COL4A5):c.809G>T (p.Gly270Val)

Gene: COL4A5 (collagen type IV alpha 5 chain; plus strand). Cytogenetic location: Xq22.3.
Variant type: single nucleotide variant.
Coding change: c.809G>T on transcript NM_033380.3 (MANE Select); coding-DNA position 809, G replaced by T.
Protein change: p.Gly270Val; replaces glycine 270 with valine.
Molecular consequence: missense variant.
Genome position (GRCh38, 1-based): chrX:108,580,561, G>T. VCF-style: chrX-108580561-G-T. GRCh37 (hg19) VCF-style: chrX-107823791-G-T.
Other names: c.809G>T, p.Gly270Val (NM_000495.5); short protein forms G270V.
Identifiers: ClinVar variation 3256885 (VCV003256885.1).
Genomic context (GRCh38, chrX:108,580,561, plus strand): 5'-ACATTGATTTCCTTTCCCCTACTACTGCATAGGGACTTCCTGGTGACCGAGGGCCTCCTG[G>T]ACCTCCAGGGATACGTGGTCCTCCAGTAAGTACCTAAAGTGCTTTAGCATCATTTAATGT-3'
Protein context (NP_203699.1, residues 260-280): QGLPGDRGPP[Gly270Val]PPGIRGPPGP